The following is an entry in ClinVar:

ClinVar aggregate classification (germline): Uncertain significance. Review status: criteria provided, multiple submitters, no conflicts (2 of 4 stars). 3 submissions from 3 submitters: Uncertain significance (3). Last evaluated 2022-03-15.

Conditions:
Hereditary cancer-predisposing syndrome. Also called: Neoplastic Syndromes, Hereditary; Hereditary Cancer Syndrome; Hereditary neoplastic syndrome; Tumor predisposition. Identifiers: Orphanet 140162, MedGen C0027672, MeSH D009386, MONDO:0015356.
Cardiovascular phenotype. Identifiers: MedGen CN230736.
Neurofibromatosis, type 1 (NF1). Also called: Neurofibromatosis, type I; Peripheral type neurofibromatosis; VON RECKLINGHAUSEN DISEASE; NEUROFIBROMATOSIS, TYPE I, SOMATIC. Identifiers: Orphanet 636, MedGen C0027831, MONDO:0018975, OMIM 162200. Disease mechanism: loss of function.

Submissions (3):

Genome-Nilou Lab
Classification: Uncertain significance for Neurofibromatosis, type 1. Last evaluated: 2022-03-15. Review status: criteria provided, single submitter. Criteria: ACMG Guidelines, 2015. Collection method: clinical testing. Allele origin: germline. Affected: no.

Labcorp Genetics (formerly Invitae), Labcorp
Classification: Uncertain significance for Neurofibromatosis, type 1. Last evaluated: 2021-07-19. Review status: criteria provided, single submitter. Criteria: Invitae Variant Classification Sherloc (09022015). Collection method: clinical testing. Allele origin: germline.
Comment: This variant has not been reported in the literature in individuals affected with NF1-related conditions. In summary, the available evidence is currently insufficient to determine the role of this variant in disease. Therefore, it has been classified as a Variant of Uncertain Significance. Advanced modeling of protein sequence and biophysical properties (such as structural, functional, and spatial information, amino acid conservation, physicochemical variation, residue mobility, and thermodynamic stability) performed at Invitae indicates that this missense variant is expected to disrupt NF1 protein function. ClinVar contains an entry for this variant (Variation ID: 825248). This variant is not present in population databases (ExAC no frequency). This sequence change replaces threonine with isoleucine at codon 1625 of the NF1 protein (p.Thr1625Ile). The threonine residue is moderately conserved and there is a moderate physicochemical difference between threonine and isoleucine.

Ambry Genetics
Classification: Uncertain significance for Cardiovascular phenotype; Hereditary cancer-predisposing syndrome. Last evaluated: 2018-09-18. Review status: criteria provided, single submitter. Criteria: Ambry Variant Classification Scheme 2023. Collection method: clinical testing. Allele origin: germline.
Comment: The p.T1625I variant (also known as c.4874C>T), located in coding exon 36 of the NF1 gene, results from a C to T substitution at nucleotide position 4874. The threonine at codon 1625 is replaced by isoleucine, an amino acid with similar properties. This amino acid position is highly conserved in available vertebrate species. In addition, this alteration is predicted to be deleterious by in silico analysis. Since supporting evidence is limited at this time, the clinical significance of this alteration remains unclear.

NM_001042492.3(NF1):c.4937C>T (p.Thr1646Ile)

Gene: NF1 (neurofibromin 1; plus strand). Cytogenetic location: 17q11.2.
Variant type: single nucleotide variant.
Coding change: c.4937C>T on transcript NM_001042492.3 (MANE Select); coding-DNA position 4937, C replaced by T.
Protein change: p.Thr1646Ile; replaces threonine 1646 with isoleucine.
Molecular consequence: missense variant.
Genome position (GRCh38, 1-based): chr17:31,325,921, C>T. VCF-style: chr17-31325921-C-T. GRCh37 (hg19) VCF-style: chr17-29652939-C-T.
Other names: c.4874C>T, p.Thr1625Ile (NM_000267.4); short protein forms T1625I, T1646I.
Identifiers: ClinVar variation 825248 (VCV000825248.12), dbSNP rs1597829686, ClinGen allele CA399007148.